The following is an entry in ClinVar:

NM_000059.4(BRCA2):c.8921T>C (p.Ile2974Thr)

Gene: BRCA2 (BRCA2 DNA repair associated; plus strand). Cytogenetic location: 13q13.1.
Variant type: single nucleotide variant.
Coding change: c.8921T>C on transcript NM_000059.4 (MANE Select); coding-DNA position 8921, T replaced by C.
Protein change: p.Ile2974Thr; replaces isoleucine 2974 with threonine.
Molecular consequence: missense variant.
Genome position (GRCh38, 1-based): chr13:32,379,483, T>C. VCF-style: chr13-32379483-T-C. GRCh37 (hg19) VCF-style: chr13-32953620-T-C.
Other names: short protein forms I2974T.
Identifiers: ClinVar variation 1378322 (VCV001378322.10), dbSNP rs2137620509, ClinGen allele CA387757284.

ClinVar aggregate classification (germline): Uncertain significance. Review status: criteria provided, multiple submitters, no conflicts (2 of 4 stars). 3 submissions from 3 submitters: Uncertain significance (3). Last evaluated 2023-03-06.

Conditions:
Hereditary cancer-predisposing syndrome. Also called: Neoplastic Syndromes, Hereditary; Hereditary Cancer Syndrome; Tumor predisposition; Hereditary neoplastic syndrome. Identifiers: Orphanet 140162, MedGen C0027672, MeSH D009386, MONDO:0015356.
Hereditary breast ovarian cancer syndrome. Also called: Hereditary breast and ovarian cancer; Hereditary breast and/or ovarian cancer syndrome; Hereditary breast and ovarian cancer syndrome; Hereditary breast and ovarian cancer syndrome (HBOC); Breast and ovarian cancer; BRCA1- and BRCA2-Associated Hereditary Breast and Ovarian Cancer. Identifiers: Orphanet 145, MedGen C0677776, MeSH D061325, MONDO:0003582. Disease mechanism: loss of function.

Submissions (3):

Color Diagnostics, LLC DBA Color Health
Classification: Uncertain significance for Hereditary cancer-predisposing syndrome. Last evaluated: 2023-03-06. Review status: criteria provided, single submitter. Criteria: ACMG Guidelines, 2015. Collection method: clinical testing. Allele origin: germline.
Comment: This missense variant replaces isoleucine with threonine at codon 2974 of the BRCA2 protein. Computational prediction suggests that this variant may not impact protein structure and function (internally defined REVEL score threshold <= 0.5, PMID: 27666373). To our knowledge, functional studies have not been reported for this variant. This variant has not been reported in individuals affected with BRCA2-related disorders in the literature. This variant has not been identified in the general population by the Genome Aggregation Database (gnomAD). The available evidence is insufficient to determine the role of this variant in disease conclusively. Therefore, this variant is classified as a Variant of Uncertain Significance.

Ambry Genetics
Classification: Uncertain significance for Hereditary cancer-predisposing syndrome. Last evaluated: 2021-09-17. Review status: criteria provided, single submitter. Criteria: Ambry Variant Classification Scheme 2023. Collection method: clinical testing. Allele origin: germline.
Comment: The p.I2974T variant (also known as c.8921T>C), located in coding exon 21 of the BRCA2 gene, results from a T to C substitution at nucleotide position 8921. The isoleucine at codon 2974 is replaced by threonine, an amino acid with similar properties. This amino acid position is conserved. In addition, the in silico prediction for this alteration is inconclusive. Since supporting evidence is limited at this time, the clinical significance of this alteration remains unclear.

Labcorp Genetics (formerly Invitae), Labcorp
Classification: Uncertain significance for Hereditary breast ovarian cancer syndrome. Last evaluated: 2021-08-28. Review status: criteria provided, single submitter. Criteria: Invitae Variant Classification Sherloc (09022015). Collection method: clinical testing. Allele origin: germline.
Comment: In summary, the available evidence is currently insufficient to determine the role of this variant in disease. Therefore, it has been classified as a Variant of Uncertain Significance. Advanced modeling of protein sequence and biophysical properties (such as structural, functional, and spatial information, amino acid conservation, physicochemical variation, residue mobility, and thermodynamic stability) performed at Invitae indicates that this missense variant is not expected to disrupt BRCA2 protein function. This variant has not been reported in the literature in individuals affected with BRCA2-related conditions. This variant is not present in population databases (ExAC no frequency). This sequence change replaces isoleucine with threonine at codon 2974 of the BRCA2 protein (p.Ile2974Thr). The isoleucine residue is moderately conserved and there is a moderate physicochemical difference between isoleucine and threonine.